The following is an entry in ClinVar:

ClinVar aggregate classification (germline): Uncertain significance. Review status: criteria provided, multiple submitters, no conflicts (2 of 4 stars). 4 submissions from 4 submitters: Uncertain significance (4). Last evaluated 2026-06-13.

Conditions:
COACH syndrome 3. Identifiers: MedGen C5436841, MONDO:0030862, OMIM 619113.
Joubert syndrome 7 (JBTS7). Identifiers: Orphanet 220497, MedGen C1969053, MONDO:0012694, OMIM 611560.
Meckel syndrome, type 5 (MKS5). Identifiers: Orphanet 564, MedGen C1969052, MONDO:0012695, OMIM 611561.
Joubert syndrome. Also called: Familial aplasia of the vermis; JOUBERT-BOLTSHAUSER SYNDROME. Identifiers: Orphanet 475, MedGen C5979921, MONDO:0018772.
Meckel-Gruber syndrome. Also called: Dysencephalia splachnocystica; GRUBER SYNDROME; DYSENCEPHALIA SPLANCHNOCYSTICA. Identifiers: Orphanet 564, MedGen C0265215, MONDO:0018921.
RPGRIP1L-related disorder. Also called: RPGRIP1L-related condition; RPGRIP1L-related disorders. Identifiers: MedGen CN239416.

Allele frequency attached by ClinVar (database versions not stated): gnomAD exomes below 0.00001; TOPMed 0.00006; gnomAD 0.00007 and 0.00008.
gnomAD v4.1: 13 of 1,613,926 alleles (0.00081%); highest among the groups gnomAD compares: African/African-American, 0.015%; no homozygotes.

Submissions (4):

PreventionGenetics, part of Exact Sciences
Classification: Uncertain significance for RPGRIP1L-related condition. Last evaluated: 2026-06-13. Review status: criteria provided, single submitter. Criteria: ACMG Guidelines, 2015. Collection method: clinical testing. Allele origin: germline.
Comment: The RPGRIP1L c.2390G>T variant is predicted to result in the amino acid substitution p.Arg797Ile. To our knowledge, this variant has not been reported in the literature. This variant is reported in 0.0080% of alleles in individuals of African descent in gnomAD. At this time, the clinical significance of this variant is uncertain due to the absence of conclusive functional and genetic evidence.

Fulgent Genetics
Classification: Uncertain significance for Joubert syndrome 7; Meckel syndrome, type 5; COACH syndrome 3. Last evaluated: 2024-06-07. Review status: criteria provided, single submitter. Criteria: ACMG Guidelines, 2015. Collection method: clinical testing. Allele origin: germline.

Labcorp Genetics (formerly Invitae), Labcorp
Classification: Uncertain significance for Joubert syndrome; Meckel-Gruber syndrome. Last evaluated: 2022-08-23. Review status: criteria provided, single submitter. Criteria: Invitae Variant Classification Sherloc (09022015). Collection method: clinical testing. Allele origin: germline.
Comment: This sequence change replaces arginine, which is basic and polar, with isoleucine, which is neutral and non-polar, at codon 797 of the RPGRIP1L protein (p.Arg797Ile). The frequency data for this variant in the population databases is considered unreliable, as metrics indicate poor data quality at this position in the gnomAD database. This variant has not been reported in the literature in individuals affected with RPGRIP1L-related conditions. Algorithms developed to predict the effect of missense changes on protein structure and function are either unavailable or do not agree on the potential impact of this missense change (SIFT: "Deleterious"; PolyPhen-2: "Benign"; Align-GVGD: "Class C15"). In summary, the available evidence is currently insufficient to determine the role of this variant in disease. Therefore, it has been classified as a Variant of Uncertain Significance.

Blueprint Genetics
Classification: Uncertain significance. Last evaluated: 2020-09-29. Review status: criteria provided, single submitter. Criteria: ACMG Guidelines, 2015. Collection method: clinical testing. Allele origin: germline.

NM_015272.5(RPGRIP1L):c.2390G>T (p.Arg797Ile)

Gene: RPGRIP1L (RPGRIP1 like; minus strand). Cytogenetic location: 16q12.2.
Variant type: single nucleotide variant.
Coding change: c.2390G>T on transcript NM_015272.5 (MANE Select); coding-DNA position 2390, G replaced by T.
Protein change: p.Arg797Ile; replaces arginine 797 with isoleucine.
Molecular consequence: missense variant.
Genome position (GRCh38, 1-based): chr16:53,645,918, C>A on the plus strand (G>T on the coding strand, the complement: RPGRIP1L is on the minus strand). VCF-style: chr16-53645918-C-A. GRCh37 (hg19) VCF-style: chr16-53679830-C-A.
Other names: c.2390G>T (NM_015272.4); c.2390G>T, p.Arg797Ile (NM_001127897.4, NM_001308334.3, NM_001330538.2); short protein forms R797I.
Identifiers: ClinVar variation 1379230 (VCV001379230.7), dbSNP rs892392514, ClinGen allele CA281339426.